The following is an entry in ClinVar:

ClinVar aggregate classification (germline): Uncertain significance (1 of 4 stars; one submission).

Allele frequency attached by ClinVar (database versions not stated): gnomAD exomes 0.00001; gnomAD 0.00003.
gnomAD v4.1: 27 of 1,613,920 alleles (0.0017%); highest among the groups gnomAD compares: South Asian, 0.0055%; no homozygotes.

Submission:

Women's Health and Genetics/Laboratory Corporation of America, LabCorp
Classification: Uncertain significance. Last evaluated: 2023-09-06. Review status: criteria provided, single submitter. Criteria: LabCorp Variant Classification Summary - May 2015. Collection method: clinical testing. Allele origin: germline.
Comment: Variant summary: TMX2 c.818A>G (p.Asn273Ser) results in a conservative amino acid change in the encoded protein sequence. Five of five in-silico tools predict a benign effect of the variant on protein function. The variant allele was found at a frequency of 8e-06 in 251290 control chromosomes. The available data on variant occurrences in the general population are insufficient to allow any conclusion about variant significance. To our knowledge, no occurrence of c.818A>G in individuals affected with Neurodevelopmental Disorder With Microcephaly, Cortical Malformations, And Spasticity and no experimental evidence demonstrating its impact on protein function have been reported. No submitters have cited clinical-significance assessments for this variant to ClinVar after 2014. Based on the evidence outlined above, the variant was classified as uncertain significance.

NM_015959.4(TMX2):c.818A>G (p.Asn273Ser)

Genes: TMX2-CTNND1 (TMX2-CTNND1 readthrough (NMD candidate); plus strand), TMX2 (thioredoxin related transmembrane protein 2; plus strand). Cytogenetic location: 11q12.1.
Variant type: single nucleotide variant.
Coding change: c.818A>G on transcript NM_015959.4 (MANE Select); coding-DNA position 818, A replaced by G.
Protein change: p.Asn273Ser; replaces asparagine 273 with serine.
Molecular consequence: missense variant. On other transcripts: non-coding transcript variant (4), 3 prime UTR variant (1).
Genome position (GRCh38, 1-based): chr11:57,740,172, A>G. VCF-style: chr11-57740172-A-G. GRCh37 (hg19) VCF-style: chr11-57507644-A-G.
Other names: c.734A>G, p.Asn245Ser (NM_001347891.2); c.611A>G, p.Asn204Ser (NM_001347892.2); c.557A>G, p.Asn186Ser (NM_001347893.2); c.536A>G, p.Asn179Ser (NM_001347894.2, NM_001347895.2, NM_001347896.2); c.*111A>G (NM_001347898.2); c.704A>G, p.Asn235Ser (NM_001144012.3); c.839A>G, p.Asn280Ser (NM_001347890.2); short protein forms N179S, N186S, N204S, N235S, N245S, N273S, N280S.
Identifiers: ClinVar variation 2627135 (VCV002627135.1), dbSNP rs1489458657, ClinGen allele CA380719961.